The following is an entry in ClinVar:

NM_001159699.2(FHL1):c.434G>A (p.Cys145Tyr)

Gene: FHL1 (four and a half LIM domains 1; plus strand). Cytogenetic location: Xq26.3.
Variant type: single nucleotide variant.
Coding change: c.434G>A on transcript NM_001159699.2 (MANE Select); coding-DNA position 434, G replaced by A.
Protein change: p.Cys145Tyr; replaces cysteine 145 with tyrosine.
Molecular consequence: missense variant. On other transcripts: non-coding transcript variant (1).
Genome position (GRCh38, 1-based): chrX:136,207,846, G>A. VCF-style: chrX-136207846-G-A. GRCh37 (hg19) VCF-style: chrX-135290005-G-A.
Other names: c.386G>A, p.Cys129Tyr (NM_001159700.2, NM_001159702.3, NM_001159703.2 and 9 more transcripts); c.473G>A, p.Cys158Tyr (NM_001159701.2); c.434G>A, p.Cys145Tyr (NM_001330659.2); c.386G>A (NM_001449.4); short protein forms C158Y, C145Y, C129Y.
Identifiers: ClinVar variation 3718700 (VCV003718700.3).

ClinVar aggregate classification (germline): Conflicting classifications of pathogenicity. Review status: criteria provided, conflicting classifications (1 of 4 stars). 2 submissions from 2 submitters: Pathogenic (1); Uncertain significance (1). Last evaluated 2025-03-25.

Conditions:
X-linked myopathy with postural muscle atrophy. Also called: FHL1-Related Emery-Dreifuss Muscular Dystrophy, X-Linked. Identifiers: Orphanet 178461, MedGen C2678055, MONDO:0010401, OMIM 300696.

Submissions (2):

GeneDx
Classification: Pathogenic. Last evaluated: 2025-03-25. Review status: criteria provided, single submitter. Criteria: GeneDx Variant Classification Process June 2021. Collection method: clinical testing. Allele origin: germline. Affected: yes.
Comment: Not observed at significant frequency in large population cohorts (gnomAD); In silico analysis supports that this missense variant has a deleterious effect on protein structure/function; This variant is associated with the following publications: (PMID: 34366191, 33846077, 31273321, 38933611, 33041974)

Labcorp Genetics (formerly Invitae), Labcorp
Classification: Uncertain significance for X-linked myopathy with postural muscle atrophy. Last evaluated: 2024-12-02. Review status: criteria provided, single submitter. Criteria: Invitae Variant Classification Sherloc (09022015). Collection method: clinical testing. Allele origin: germline.
Comment: This sequence change replaces cysteine, which is neutral and slightly polar, with tyrosine, which is neutral and polar, at codon 129 of the FHL1 protein (p.Cys129Tyr). This variant is not present in population databases (gnomAD no frequency). This missense change has been observed in individual(s) with FHL1-related conditions (PMID: 31273321). In at least one individual the variant was observed to be de novo. An algorithm developed to predict the effect of missense changes on protein structure and function (PolyPhen-2) suggests that this variant is likely to be disruptive. In summary, the available evidence is currently insufficient to determine the role of this variant in disease. Therefore, it has been classified as a Variant of Uncertain Significance.

Literature cited by the submitters: PubMed 31273321 (cited by Labcorp Genetics (formerly Invitae), Labcorp).